The following is an entry in ClinVar:

ClinVar aggregate classification (germline): Uncertain significance. Review status: criteria provided, multiple submitters, no conflicts (2 of 4 stars). 2 submissions from 2 submitters: Uncertain significance (2). Last evaluated 2025-07-25.

Conditions:
Long QT syndrome (LQTS). Identifiers: MedGen C0023976, MeSH D008133, MONDO:0002442. Disease mechanism: loss of function. Inheritance: Various modes of inheritance.

Submissions (2):

GeneDx
Classification: Uncertain significance. Last evaluated: 2025-07-25. Review status: criteria provided, single submitter. Criteria: GeneDx Variant Classification Process June 2021. Collection method: clinical testing. Allele origin: germline. Affected: yes.
Comment: Not observed at significant frequency in large population cohorts (gnomAD); In silico analysis supports that this missense variant has a deleterious effect on protein structure/function; Has not been previously published as pathogenic or benign to our knowledge

Labcorp Genetics (formerly Invitae), Labcorp
Classification: Uncertain significance for Long QT syndrome. Last evaluated: 2024-08-21. Review status: criteria provided, single submitter. Criteria: Invitae Variant Classification Sherloc (09022015). Collection method: clinical testing. Allele origin: germline.
Comment: This sequence change replaces isoleucine, which is neutral and non-polar, with threonine, which is neutral and polar, at codon 43 of the CACNA1C protein (p.Ile43Thr). This variant is not present in population databases (gnomAD no frequency). This variant has not been reported in the literature in individuals affected with CACNA1C-related conditions. Invitae Evidence Modeling of protein sequence and biophysical properties (such as structural, functional, and spatial information, amino acid conservation, physicochemical variation, residue mobility, and thermodynamic stability) indicates that this missense variant is not expected to disrupt CACNA1C protein function with a negative predictive value of 95%. In summary, the available evidence is currently insufficient to determine the role of this variant in disease. Therefore, it has been classified as a Variant of Uncertain Significance.

NM_000719.7(CACNA1C):c.128T>C (p.Ile43Thr)

Gene: CACNA1C (calcium voltage-gated channel subunit alpha1 C; plus strand). Cytogenetic location: 12p13.33.
Variant type: single nucleotide variant.
Coding change: c.128T>C on transcript NM_000719.7 (MANE Select); coding-DNA position 128, T replaced by C.
Protein change: p.Ile43Thr; replaces isoleucine 43 with threonine.
Molecular consequence: missense variant.
Genome position (GRCh38, 1-based): chr12:2,115,302, T>C. VCF-style: chr12-2115302-T-C. GRCh37 (hg19) VCF-style: chr12-2224468-T-C.
Other names: c.128T>C, p.Ile43Thr (NM_001129827.2, NM_001129829.2, NM_001129830.3 and 19 more transcripts); short protein forms I43T.
Identifiers: ClinVar variation 3716454 (VCV003716454.3).